The following is an entry in ClinVar:

ClinVar aggregate classification (germline): Uncertain significance (1 of 4 stars; one submission).

Conditions:
Spondyloepiphyseal dysplasia with congenital joint dislocations (SEDCJD). Also called: Chondrodysplasia with Congenital Joint Dislocations, CHST3-Related. Identifiers: Orphanet 263463, MedGen C1837657, MONDO:0007738, OMIM 143095.

Submission:

Labcorp Genetics (formerly Invitae), Labcorp
Classification: Uncertain significance for Spondyloepiphyseal dysplasia with congenital joint dislocations. Last evaluated: 2023-09-13. Review status: criteria provided, single submitter. Criteria: Invitae Variant Classification Sherloc (09022015). Collection method: clinical testing. Allele origin: germline.
Comment: In summary, the available evidence is currently insufficient to determine the role of this variant in disease. Therefore, it has been classified as a Variant of Uncertain Significance. Advanced modeling of protein sequence and biophysical properties (such as structural, functional, and spatial information, amino acid conservation, physicochemical variation, residue mobility, and thermodynamic stability) performed at Invitae indicates that this missense variant is not expected to disrupt CHST3 protein function. ClinVar contains an entry for this variant (Variation ID: 2116882). This variant has not been reported in the literature in individuals affected with CHST3-related conditions. This variant is not present in population databases (gnomAD no frequency). This sequence change replaces aspartic acid, which is acidic and polar, with asparagine, which is neutral and polar, at codon 326 of the CHST3 protein (p.Asp326Asn).

NM_004273.5(CHST3):c.976G>A (p.Asp326Asn)

Gene: CHST3 (carbohydrate sulfotransferase 3; plus strand). Cytogenetic location: 10q22.1.
Variant type: single nucleotide variant.
Coding change: c.976G>A on transcript NM_004273.5 (MANE Select); coding-DNA position 976, G replaced by A.
Protein change: p.Asp326Asn; replaces aspartic acid 326 with asparagine.
Molecular consequence: missense variant.
Genome position (GRCh38, 1-based): chr10:72,008,007, G>A. VCF-style: chr10-72008007-G-A. GRCh37 (hg19) VCF-style: chr10-73767765-G-A.
Other names: short protein forms D326N.
Identifiers: ClinVar variation 2116882 (VCV002116882.4), dbSNP rs2494772073, ClinGen allele CA377149867.
Genomic context (GRCh38, chr10:72,008,007, plus strand): 5'-GTGCTGGCCTCGCGCATGGTGGCCTTCGCCGGCAAGTATAAGACCTGGAAGAAGTGGCTG[G>A]ACGACGAGGGCCAGGACGGCCTGAGGGAAGAGGAGGTGCAGCGGCTGCGGGGCAACTGCG-3'
Protein context (NP_004264.2, residues 316-336): GKYKTWKKWL[Asp326Asn]DEGQDGLREE